The following is an entry in ClinVar:

ClinVar aggregate classification (germline): Uncertain significance. Review status: criteria provided, multiple submitters, no conflicts (2 of 4 stars). 2 submissions from 2 submitters: Uncertain significance (2). Last evaluated 2025-11-19.

Conditions:
Inborn genetic diseases. Identifiers: MedGen C0950123, MeSH D030342.

Allele frequency attached by ClinVar (database versions not stated): ExAC 0.00001; gnomAD 0.00004; gnomAD exomes 0.00007; ESP Exome Variant Server 0.00009.
gnomAD v4.1: 71 of 981,995 alleles (0.0072%); highest among the groups gnomAD compares: Non-Finnish European, 0.0086%; no homozygotes.

Submissions (2):

Ambry Genetics
Classification: Uncertain significance for Inborn genetic diseases. Last evaluated: 2025-11-19. Review status: criteria provided, single submitter. Criteria: Ambry Variant Classification Scheme 2023. Collection method: clinical testing. Allele origin: germline.
Comment: The c.152A>T (p.Q51L) alteration is located in exon 1 (coding exon 1) of the TAF1 gene. This alteration results from a A to T substitution at nucleotide position 152, causing the glutamine (Q) at amino acid position 51 to be replaced by a leucine (L). Based on data from gnomAD, the T allele has an overall frequency of 0.001% (1/157185) total alleles studied. The highest observed frequency was 0.001% (1/71997) of European (non-Finnish) alleles. Based on insufficient or conflicting evidence, the clinical significance of this alteration remains unclear.

Labcorp Genetics (formerly Invitae), Labcorp
Classification: Uncertain significance. Last evaluated: 2025-06-10. Review status: criteria provided, single submitter. Criteria: Invitae Variant Classification Sherloc (09022015). Collection method: clinical testing. Allele origin: germline.
Comment: This sequence change replaces glutamine, which is neutral and polar, with leucine, which is neutral and non-polar, at codon 51 of the TAF1 protein (p.Gln51Leu). This variant is present in population databases (rs371076360, gnomAD 0.001%). This variant has not been reported in the literature in individuals affected with TAF1-related conditions. ClinVar contains an entry for this variant (Variation ID: 2716454). Invitae Evidence Modeling of protein sequence and biophysical properties (such as structural, functional, and spatial information, amino acid conservation, physicochemical variation, residue mobility, and thermodynamic stability) indicates that this missense variant is not expected to disrupt TAF1 protein function with a negative predictive value of 80%. In summary, the available evidence is currently insufficient to determine the role of this variant in disease. Therefore, it has been classified as a Variant of Uncertain Significance.

NM_004606.5(TAF1):c.92A>T (p.Gln31Leu)

Gene: TAF1 (TATA-box binding protein associated factor 1; plus strand). Cytogenetic location: Xq13.1.
Variant type: single nucleotide variant.
Coding change: c.92A>T on transcript NM_004606.5 (MANE Select); coding-DNA position 92, A replaced by T.
Protein change: p.Gln31Leu; replaces glutamine 31 with leucine.
Molecular consequence: missense variant. On other transcripts: non-coding transcript variant (9).
Genome position (GRCh38, 1-based): chrX:71,366,466, A>T. VCF-style: chrX-71366466-A-T. GRCh37 (hg19) VCF-style: chrX-70586316-A-T.
Other names: c.92A>T, p.Gln31Leu (NM_001286074.2, NM_138923.4); c.152A>T (NM_004606.3); short protein forms Q31L.
Identifiers: ClinVar variation 2716454 (VCV002716454.4), dbSNP rs371076360, ClinGen allele CA10446495.
Genomic context (GRCh38, chrX:71,366,466, plus strand): 5'-CTGGAGGCGGCCCATTTTCTTTAGCGGGTTTCCTTTTCGGCAACATCAATGGAGCCGGGC[A>T]GCTGGAGGGGGAAAGCGTCTTGGATGATGTGAGGGGGTGGGCGTGGGGGTAGGGCTCGGG-3'
Protein context (NP_004597.3, residues 21-41): FLFGNINGAG[Gln31Leu]LEGESVLDDE